The following is an entry in ClinVar:

ClinVar aggregate classification (germline): Likely pathogenic (1 of 4 stars; one submission).

Conditions:
Neuromuscular disease caused by qualitative or quantitative defects of dysferlin. Also called: Dysferlinopathy; Qualitative or quantitative defects of dysferlin. Identifiers: Orphanet 207073, MedGen C2931687, MONDO:0016145.

Submission:

Labcorp Genetics (formerly Invitae), Labcorp
Classification: Likely pathogenic for Neuromuscular disease caused by qualitative or quantitative defects of dysferlin. Last evaluated: 2022-04-28. Review status: criteria provided, single submitter. Criteria: Invitae Variant Classification Sherloc (09022015). Collection method: clinical testing. Allele origin: germline.
Comment: This variant results in a copy number gain of the genomic region encompassing exon(s) 13 of the DYSF gene. While the exact position of this variant cannot be determined from the data, sub-genic copy number gains are generally in tandem (PMID: 25640679). This variant is predicted to be out-of-frame, and may result in an absent or disrupted protein product. Loss-of-function variants in DYSF are known to be pathogenic (PMID: 17698709, 20301480). This variant has not been reported in the literature in individuals affected with DYSF-related conditions. In summary, the currently available evidence indicates that the variant is pathogenic, but additional data are needed to prove that conclusively. Therefore, this variant has been classified as Likely Pathogenic.

Literature cited by the submitters: PubMed 25640679; PubMed 17698709; PubMed 20301480.

NC_000002.11:g.(?_71755408)_(71755551_?)dup

Gene: DYSF (dysferlin; plus strand). Cytogenetic location: 2p13.2.
Variant type: Duplication.
Identifiers: ClinVar variation 2424695 (VCV002424695.4).